The following is an entry in ClinVar:

NM_014927.5(CNKSR2):c.41G>C (p.Ser14Thr)

Gene: CNKSR2 (connector enhancer of kinase suppressor of Ras 2; plus strand). Cytogenetic location: Xp22.12.
Variant type: single nucleotide variant.
Coding change: c.41G>C on transcript NM_014927.5 (MANE Select); coding-DNA position 41, G replaced by C.
Protein change: p.Ser14Thr; replaces serine 14 with threonine.
Molecular consequence: missense variant.
Genome position (GRCh38, 1-based): chrX:21,374,938, G>C. VCF-style: chrX-21374938-G-C. GRCh37 (hg19) VCF-style: chrX-21393056-G-C.
Other names: c.41G>C, p.Ser14Thr (NM_001168647.3, NM_001168648.3, NM_001168649.3 and 4 more transcripts); short protein forms S14T.
Identifiers: ClinVar variation 3372895 (VCV003372895.1).

ClinVar aggregate classification (germline): Uncertain significance (1 of 4 stars; one submission).

gnomAD v4.1: 1 of 1,209,592 alleles (0.000083%); highest among the groups gnomAD compares: Non-Finnish European, 0.00011%; no homozygotes.

Submission:

GeneDx
Classification: Uncertain significance. Last evaluated: 2024-04-30. Review status: criteria provided, single submitter. Criteria: GeneDx Variant Classification Process June 2021. Collection method: clinical testing. Allele origin: germline. Affected: yes.
Comment: Not observed at significant frequency in large population cohorts (gnomAD); In silico analysis indicates that this missense variant does not alter protein structure/function; Has not been previously published as pathogenic or benign to our knowledge